The following is an entry in ClinVar:

NM_001317778.2(SFTPC):c.571A>C (p.Ile191Leu)

Gene: SFTPC (surfactant protein C; plus strand). Cytogenetic location: 8p21.3.
Variant type: single nucleotide variant.
Coding change: c.571A>C on transcript NM_001317778.2 (MANE Select); coding-DNA position 571, A replaced by C.
Protein change: p.Ile191Leu; replaces isoleucine 191 with leucine.
Molecular consequence: missense variant.
Genome position (GRCh38, 1-based): chr8:22,164,036, A>C. VCF-style: chr8-22164036-A-C. GRCh37 (hg19) VCF-style: chr8-22021549-A-C.
Other names: c.571A>C, p.Ile191Leu (NM_001172357.2, NM_001317780.2, NM_001385656.1 and 3 more transcripts); c.589A>C, p.Ile197Leu (NM_001172410.2, NM_001385653.1, NM_001385654.1 and 2 more transcripts); c.430A>C, p.Ile144Leu (NM_001317779.2, NM_001385660.1); short protein forms I191L, I144L, I197L.
Identifiers: ClinVar variation 1750349 (VCV001750349.4), dbSNP rs1375414266, ClinGen allele CA370538493.

ClinVar aggregate classification (germline): Conflicting classifications of pathogenicity. Review status: criteria provided, conflicting classifications (1 of 4 stars). 2 submissions from 2 submitters: Uncertain significance (1); Benign (1). Last evaluated 2026-03-04.

Conditions:
Hereditary pulmonary alveolar proteinosis. Also called: Pulmonary surfactant metabolism dysfunction. Identifiers: Orphanet 264675, MedGen C3711368, MONDO:0012580.

Allele frequency attached by ClinVar (database versions not stated): gnomAD exomes below 0.00001; TOPMed 0.00001.

Submissions (2):

Ambry Genetics
Classification: Benign for Hereditary pulmonary alveolar proteinosis. Last evaluated: 2026-03-04. Review status: criteria provided, single submitter. Criteria: Ambry Variant Classification Scheme 2023. Collection method: clinical testing. Allele origin: germline.

GeneDx
Classification: Uncertain significance. Last evaluated: 2024-08-06. Review status: criteria provided, single submitter. Criteria: GeneDx Variant Classification Process June 2021. Collection method: clinical testing. Allele origin: germline. Affected: yes.
Comment: In silico analysis indicates that this missense variant does not alter protein structure/function; Has not been previously published as pathogenic or benign to our knowledge